The following is an entry in ClinVar:

NM_002473.6(MYH9):c.132C>T (p.Ala44=)

Gene: MYH9 (myosin heavy chain 9; minus strand). Cytogenetic location: 22q12.3.
Variant type: single nucleotide variant.
Coding change: c.132C>T on transcript NM_002473.6 (MANE Select); coding-DNA position 132, C replaced by T.
Protein change: p.Ala44=; no amino-acid change (alanine 44 retained).
Molecular consequence: synonymous variant.
Genome position (GRCh38, 1-based): chr22:36,349,105, G>A on the plus strand (C>T on the coding strand, the complement: MYH9 is on the minus strand). VCF-style: chr22-36349105-G-A. GRCh37 (hg19) VCF-style: chr22-36745150-G-A.
Identifiers: ClinVar variation 341537 (VCV000341537.20), dbSNP rs138526426, ClinGen allele CA10210719.

ClinVar aggregate classification (germline): Conflicting classifications of pathogenicity. Review status: criteria provided, conflicting classifications (1 of 4 stars). 7 submissions from 6 submitters: Uncertain significance (1); Likely benign (6). Last evaluated 2025-12-01.

Conditions:
Autosomal dominant nonsyndromic hearing loss 17. Also called: Deafness, autosomal dominant 17; Autosomal dominant nonsyndromic deafness 17. Identifiers: Orphanet 90635, MedGen C1863659, MONDO:0011350, OMIM 603622.
MYH9-related disorder. Identifiers: MedGen C1854520.

Allele frequency attached by ClinVar (database versions not stated): TOPMed 0.00010; gnomAD 0.00012 and 0.00013; ESP Exome Variant Server 0.00015.
gnomAD v4.1: 238 of 1,614,072 alleles (0.015%); highest among the groups gnomAD compares: Non-Finnish European, 0.019%; no homozygotes.

Submissions (7):

CeGaT Center for Human Genetics Tuebingen
Classification: Likely benign. Last evaluated: 2025-12-01. Review status: criteria provided, single submitter. Criteria: CeGaT Center For Human Genetics Tuebingen Variant Classification Criteria Version 2. Collection method: clinical testing. Allele origin: germline. Affected: yes. Observed: 1 variant allele.
Comment: MYH9: BP4, BP7

Labcorp Genetics (formerly Invitae), Labcorp
Classification: Likely benign. Last evaluated: 2025-10-21. Review status: criteria provided, single submitter. Criteria: Invitae Variant Classification Sherloc (09022015). Collection method: clinical testing. Allele origin: germline.

ARUP Laboratories, Molecular Genetics and Genomics, ARUP Laboratories
Classification: Likely benign. Last evaluated: 2025-01-28. Review status: criteria provided, single submitter. Criteria: ARUP Molecular Germline Variant Investigation Process 2024. Collection method: clinical testing. Allele origin: germline.

Blueprint Genetics
Classification: Likely benign. Last evaluated: 2023-10-24. Review status: criteria provided, single submitter. Criteria: ACMG Guidelines, 2015. Collection method: clinical testing. Allele origin: germline.

Illumina Laboratory Services, Illumina
Classification: Uncertain significance for Autosomal dominant nonsyndromic hearing loss 17. Last evaluated: 2018-01-12. Review status: criteria provided, single submitter. Criteria: ICSL Variant Classification Criteria 13 December 2019. Collection method: clinical testing. Allele origin: germline.

Illumina Laboratory Services, Illumina
Classification: Likely benign for MYH9-related disorder. Last evaluated: 2018-01-12. Review status: criteria provided, single submitter. Criteria: ICSL Variant Classification Criteria 13 December 2019. Collection method: clinical testing. Allele origin: germline.
Comment: This variant was observed in the ICSL laboratory as part of a predisposition screen in an ostensibly healthy population. It had not been previously curated by ICSL or reported in the Human Gene Mutation Database (HGMD: prior to June 1st, 2018), and was therefore a candidate for classification through an automated scoring system. Utilizing variant allele frequency, disease prevalence and penetrance estimates, and inheritance mode, an automated score was calculated to assess if this variant is too frequent to cause the disease. Based on the score and internal cut-off values, a variant classified as likely benign is not then subjected to further curation. The score for this variant resulted in a classification of likely benign for this disease.

Laboratory for Molecular Medicine, Mass General Brigham Personalized Medicine
Classification: Likely benign. Last evaluated: 2012-04-30. Review status: criteria provided, single submitter. Criteria: LMM Criteria. Collection method: clinical testing. Allele origin: germline. Observed: 1 variant allele.
Comment: Ala44Ala in Exon 02 of MYH9: This variant is not expected to have clinical signi ficance because it does not alter an amino acid residue, is not located within t he splice consensus sequence, and has been identified in 2/7020 European America n chromosomes from a broad population by the NHLBI Exome Sequencing Project (dbSNP rs138526426).